The following is an entry in ClinVar:

NM_004329.3(BMPR1A):c.666A>G (p.Leu222=)

Gene: BMPR1A (bone morphogenetic protein receptor type 1A; plus strand). Cytogenetic location: 10q23.2.
Variant type: single nucleotide variant.
Coding change: c.666A>G on transcript NM_004329.3 (MANE Select); coding-DNA position 666, A replaced by G.
Protein change: p.Leu222=; no amino-acid change (leucine 222 retained).
Molecular consequence: synonymous variant.
Genome position (GRCh38, 1-based): chr10:86,912,375, A>G. VCF-style: chr10-86912375-A-G. GRCh37 (hg19) VCF-style: chr10-88672132-A-G.
Identifiers: ClinVar variation 1130193 (VCV001130193.12), dbSNP rs1843504404, ClinGen allele CA470307752.

ClinVar aggregate classification (germline): Benign/Likely benign. Review status: criteria provided, multiple submitters, no conflicts (2 of 4 stars). 3 submissions from 3 submitters: Benign (1); Likely benign (2). Last evaluated 2024-08-02.

Conditions:
Juvenile polyposis syndrome (JPS). Identifiers: Orphanet 2929, MedGen C0345893, MONDO:0017380, OMIM 174900.
Hereditary cancer-predisposing syndrome. Also called: Neoplastic Syndromes, Hereditary; Tumor predisposition; Hereditary Cancer Syndrome; Hereditary neoplastic syndrome. Identifiers: Orphanet 140162, MedGen C0027672, MeSH D009386, MONDO:0015356.

Allele frequency attached by ClinVar (database versions not stated): gnomAD 0.00001.
gnomAD v4.1: 1 of 1,613,822 alleles (0.000062%); highest among the groups gnomAD compares: African/African-American, 0.0013%; no homozygotes.

Submissions (3):

Myriad Genetics, Inc.
Classification: Benign for Juvenile polyposis syndrome. Last evaluated: 2024-08-02. Review status: criteria provided, single submitter. Criteria: Myriad Autosomal Dominant, Autosomal Recessive and X-Linked Classification Criteria (2023). Collection method: clinical testing. Allele origin: unknown.
Comment: This variant is considered benign. This variant is a silent/synonymous amino acid change and it is not expected to impact splicing.

Ambry Genetics
Classification: Likely benign for Hereditary cancer-predisposing syndrome. Last evaluated: 2021-07-31. Review status: criteria provided, single submitter. Criteria: Ambry Variant Classification Scheme 2023. Collection method: clinical testing. Allele origin: germline.

Labcorp Genetics (formerly Invitae), Labcorp
Classification: Likely benign for Juvenile polyposis syndrome. Last evaluated: 2019-07-11. Review status: criteria provided, single submitter. Criteria: Invitae Variant Classification Sherloc (09022015). Collection method: clinical testing. Allele origin: germline.